The following is an entry in ClinVar:

NM_024675.4(PALB2):c.1685-4T>C

Gene: PALB2 (partner and localizer of BRCA2; minus strand). Cytogenetic location: 16p12.2.
Variant type: single nucleotide variant.
Coding change: c.1685-4T>C on transcript NM_024675.4 (MANE Select); 4 bases into the intron before coding-DNA position 1685, T replaced by C.
Molecular consequence: intron variant.
Genome position (GRCh38, 1-based): chr16:23,630,473, A>G on the plus strand (T>C on the coding strand, the complement: PALB2 is on the minus strand). VCF-style: chr16-23630473-A-G. GRCh37 (hg19) VCF-style: chr16-23641794-A-G.
Identifiers: ClinVar variation 819827 (VCV000819827.5), dbSNP rs1597091527, ClinGen allele CA915949199.

ClinVar aggregate classification (germline): Likely benign. Review status: criteria provided, multiple submitters, no conflicts (2 of 4 stars). 2 submissions from 2 submitters: Likely benign (2). Last evaluated 2025-01-14.

Conditions:
Familial cancer of breast. Also called: BREAST CANCER, FAMILIAL; Hereditary breast cancer; hereditary breast carcinoma. Identifiers: Orphanet 227535, MedGen C0346153, MONDO:0016419, OMIM 114480. Disease mechanism: loss of function.
Hereditary cancer-predisposing syndrome. Also called: Neoplastic Syndromes, Hereditary; Tumor predisposition; Hereditary Cancer Syndrome; Hereditary neoplastic syndrome. Identifiers: Orphanet 140162, MedGen C0027672, MeSH D009386, MONDO:0015356.

Submissions (2):

Myriad Genetics, Inc.
Classification: Likely benign for Familial cancer of breast. Last evaluated: 2025-01-14. Review status: criteria provided, single submitter. Criteria: Myriad Autosomal Dominant, Autosomal Recessive and X-Linked Classification Criteria (2023). Collection method: clinical testing. Allele origin: unknown.
Comment: This variant is considered likely benign. This variant is intronic and is not expected to impact mRNA splicing.

Ambry Genetics
Classification: Likely benign for Hereditary cancer-predisposing syndrome. Last evaluated: 2019-10-28. Review status: criteria provided, single submitter. Criteria: Ambry Variant Classification Scheme 2023. Collection method: clinical testing. Allele origin: germline.